The following is an entry in ClinVar:

ClinVar aggregate classification (germline): Benign/Likely benign. Review status: criteria provided, multiple submitters, no conflicts (2 of 4 stars). 7 submissions from 7 submitters: Benign (5); Likely benign (2). Last evaluated 2026-08-01.

Conditions:
3M syndrome 1. Also called: 3-M Syndrome, CUL7-Related. Identifiers: Orphanet 2616, MedGen C2678312, MONDO:0010117, OMIM 273750.

Allele frequency attached by ClinVar (database versions not stated): 1000 Genomes Project 30x 0.00547; 1000 Genomes Project 0.00559; ESP Exome Variant Server 0.00646; TOPMed 0.00668; gnomAD 0.00699 and 0.00727; gnomAD exomes 0.00793 and 0.00870; ExAC 0.00810.
gnomAD v4.1: 13,767 of 1,614,146 alleles (0.85%); highest among the groups gnomAD compares: Non-Finnish European, 0.97%; 71 homozygotes.

Submissions (7):

CeGaT Center for Human Genetics Tuebingen
Classification: Likely benign. Last evaluated: 2026-08-01. Review status: criteria provided, single submitter. Criteria: CeGaT Center For Human Genetics Tuebingen Variant Classification Criteria Version 2. Collection method: clinical testing. Allele origin: germline. Affected: yes. Observed: 6 variant alleles.
Comment: CUL7: PM5, BS2

Women's Health and Genetics/Laboratory Corporation of America, LabCorp
Classification: Likely benign. Last evaluated: 2026-05-09. Review status: criteria provided, single submitter. Criteria: LabCorp Variant Classification Summary - May 2015. Collection method: clinical testing. Allele origin: germline.

Labcorp Genetics (formerly Invitae), Labcorp
Classification: Benign. Last evaluated: 2026-01-28. Review status: criteria provided, single submitter. Criteria: Invitae Variant Classification Sherloc (09022015). Collection method: clinical testing. Allele origin: germline.

GeneDx
Classification: Benign. Last evaluated: 2021-01-20. Review status: criteria provided, single submitter. Criteria: GeneDx Variant Classification Process June 2021. Collection method: clinical testing. Allele origin: germline. Affected: yes.
Comment: In silico analysis supports that this missense variant does not alter protein structure/function

Illumina Laboratory Services, Illumina
Classification: Benign for 3M syndrome 1. Last evaluated: 2018-01-12. Review status: criteria provided, single submitter. Criteria: ICSL Variant Classification Criteria 13 December 2019. Collection method: clinical testing. Allele origin: germline.
Comment: This variant was observed in the ICSL laboratory as part of a predisposition screen in an ostensibly healthy population. It had not been previously curated by ICSL or reported in the Human Gene Mutation Database (HGMD: prior to June 1st, 2018), and was therefore a candidate for classification through an automated scoring system. Utilizing variant allele frequency, disease prevalence and penetrance estimates, and inheritance mode, an automated score was calculated to assess if this variant is too frequent to cause the disease. Based on the score and internal cut-off values, a variant classified as benign is not then subjected to further curation. The score for this variant resulted in a classification of benign for this disease.

Center for Pediatric Genomic Medicine, Children's Mercy Hospital and Clinics
Classification: Benign. Last evaluated: 2017-05-09. Review status: criteria provided, single submitter. Criteria: ACMG Guidelines, 2015. Collection method: clinical testing. Allele origin: germline.

Eurofins Ntd Llc (ga)
Classification: Benign. Last evaluated: 2014-06-04. Review status: criteria provided, single submitter. Criteria: EGL Classification Definitions 2015. Collection method: clinical testing. Allele origin: germline. Observed: 2 variant alleles, 2 heterozygotes.

NM_014780.5(CUL7):c.4762C>A (p.Leu1588Ile)

Gene: CUL7 (cullin 7; minus strand). Cytogenetic location: 6p21.1.
Variant type: single nucleotide variant.
Coding change: c.4762C>A on transcript NM_014780.5 (MANE Select); coding-DNA position 4762, C replaced by A.
Protein change: p.Leu1588Ile; replaces leucine 1588 with isoleucine.
Molecular consequence: missense variant.
Genome position (GRCh38, 1-based): chr6:43,038,278, G>T on the plus strand (C>A on the coding strand, the complement: CUL7 is on the minus strand). VCF-style: chr6-43038278-G-T. GRCh37 (hg19) VCF-style: chr6-43006016-G-T.
Other names: c.4858C>A, p.Leu1620Ile (NM_001168370.2, NM_001374872.1); c.4774C>A, p.Leu1592Ile (NM_001374873.1); c.4759C>A, p.Leu1587Ile (NM_001374874.1); short protein forms L1588I, L1587I, L1592I, L1620I.
Identifiers: ClinVar variation 195895 (VCV000195895.36), dbSNP rs147493246, ClinGen allele CA202009.